The following is an entry in ClinVar:

ClinVar aggregate classification (germline): Uncertain significance (1 of 4 stars; one submission).

Submissions (2):

Labcorp Genetics (formerly Invitae), Labcorp
Classification: Uncertain significance. Last evaluated: 2023-12-09. Review status: criteria provided, single submitter. Criteria: Invitae Variant Classification Sherloc (09022015). Collection method: clinical testing. Allele origin: germline.
Comment: This sequence change replaces glycine, which is neutral and non-polar, with arginine, which is basic and polar, at codon 34 of the IGF1R protein (p.Gly34Arg). This variant is not present in population databases (gnomAD no frequency). This variant has not been reported in the literature in individuals affected with IGF1R-related conditions. An algorithm developed to predict the effect of missense changes on protein structure and function (PolyPhen-2) suggests that this variant is likely to be disruptive. In summary, the available evidence is currently insufficient to determine the role of this variant in disease. Therefore, it has been classified as a Variant of Uncertain Significance.

Dr. Peter K. Rogan Lab, Western University
No classification provided (evidence only). Condition: Ovarian serous cystadenocarcinoma. Review status: no classification provided. Collection method: in vitro. Allele origin: not applicable. Functional consequence: retained intron. Not counted in ClinVar's aggregate classification.

NM_000875.5(IGF1R):c.100G>C (p.Gly34Arg)

Gene: IGF1R (insulin like growth factor 1 receptor; plus strand). Cytogenetic location: 15q26.3.
Variant type: single nucleotide variant.
Coding change: c.100G>C on transcript NM_000875.5 (MANE Select); coding-DNA position 100, G replaced by C.
Protein change: p.Gly34Arg; replaces glycine 34 with arginine.
Molecular consequence: missense variant.
Genome position (GRCh38, 1-based): chr15:98,707,567, G>C. VCF-style: chr15-98707567-G-C. GRCh37 (hg19) VCF-style: chr15-99250796-G-C.
Other names: c.100G>C, p.Gly34Arg (NM_001291858.2); short protein forms G34R.
Identifiers: ClinVar variation 2701740 (VCV002701740.4), dbSNP rs2141258649, ClinGen allele CA393696531.
Genomic context (GRCh38, chr15:98,707,567, plus strand): 5'-AGTTTAAAAATTATTTCCTTCTAACTGAGACGTTTACCCTCTTGTCTCCCTTCAGTCTGC[G>C]GGCCAGGCATCGACATCCGCAACGACTATCAGCAGCTGAAGCGCCTGGAGAACTGCACGG-3'
Protein context (NP_000866.1, residues 24-44): SLWPTSGEIC[Gly34Arg]PGIDIRNDYQ